The following is an entry in ClinVar:

ClinVar aggregate classification (germline): Uncertain significance. Review status: criteria provided, multiple submitters, no conflicts (2 of 4 stars). 4 submissions from 4 submitters: Uncertain significance (4). Last evaluated 2025-12-21.

Conditions:
Hereditary cancer-predisposing syndrome. Also called: Neoplastic Syndromes, Hereditary; Hereditary neoplastic syndrome; Tumor predisposition; Hereditary Cancer Syndrome. Identifiers: Orphanet 140162, MedGen C0027672, MeSH D009386, MONDO:0015356.
Familial meningioma. Also called: Meningioma, familial, susceptibility to. Identifiers: Orphanet 263662, MedGen C3551915, MONDO:0011789, OMIM 607174.
Neurofibromatosis, type 2 (SWNV). Also called: BILATERAL ACOUSTIC NEUROFIBROMATOSIS; SCHWANNOMATOSIS, VESTIBULAR; NF2-Related Schwannomatosis. Identifiers: Orphanet 637, MedGen C0027832, MONDO:0007039, OMIM 101000. Disease mechanism: loss of function.

Allele frequency attached by ClinVar (database versions not stated): gnomAD exomes below 0.00001; ExAC 0.00001.
gnomAD v4.1: 1 of 1,614,118 alleles (0.000062%); highest among the groups gnomAD compares: South Asian, 0.0011%; no homozygotes.

Submissions (4):

Ambry Genetics
Classification: Uncertain significance for Hereditary cancer-predisposing syndrome. Last evaluated: 2025-12-21. Review status: criteria provided, single submitter. Criteria: Ambry Variant Classification Scheme 2023. Collection method: clinical testing. Allele origin: germline.
Comment: The p.H534Y variant (also known as c.1600C>T), located in coding exon 15 of the NF2 gene, results from a C to T substitution at nucleotide position 1600. The histidine at codon 534 is replaced by tyrosine, an amino acid with similar properties. This amino acid position is well conserved in available vertebrate species. In addition, the in silico prediction for this alteration is inconclusive. Since supporting evidence is limited at this time, the clinical significance of this alteration remains unclear.

Labcorp Genetics (formerly Invitae), Labcorp
Classification: Uncertain significance for Neurofibromatosis, type 2. Last evaluated: 2024-05-29. Review status: criteria provided, single submitter. Criteria: Invitae Variant Classification Sherloc (09022015). Collection method: clinical testing. Allele origin: germline.
Comment: This sequence change replaces histidine, which is basic and polar, with tyrosine, which is neutral and polar, at codon 534 of the NF2 protein (p.His534Tyr). This variant is present in population databases (rs769370159, gnomAD 0.003%). This variant has not been reported in the literature in individuals affected with NF2-related conditions. ClinVar contains an entry for this variant (Variation ID: 854568). Advanced modeling of protein sequence and biophysical properties (such as structural, functional, and spatial information, amino acid conservation, physicochemical variation, residue mobility, and thermodynamic stability) performed at Invitae indicates that this missense variant is not expected to disrupt NF2 protein function with a negative predictive value of 80%. RNA analysis performed to evaluate the impact of this missense change on mRNA splicing indicates it does not significantly alter splicing (Invitae). In summary, the available evidence is currently insufficient to determine the role of this variant in disease. Therefore, it has been classified as a Variant of Uncertain Significance.

All of Us Research Program, National Institutes of Health
Classification: Uncertain significance for Neurofibromatosis, type 2. Last evaluated: 2023-11-20. Review status: criteria provided, single submitter. Criteria: ACMG Guidelines, 2015. Collection method: clinical testing. Allele origin: germline. Inheritance: Autosomal dominant inheritance. Observed: 2 variant alleles, 2 heterozygotes.
Comment: This missense variant replaces histidine with tyrosine at codon 534 of the NF2 protein. Computational prediction is inconclusive regarding the impact of this variant on protein structure and function (internally defined REVEL score threshold 0.5 < inconclusive < 0.7, PMID: 27666373). To our knowledge, functional studies have not been reported for this variant. This variant has been reported in an individual affected with a vestibular schwannoma (PMID: 23354516, 23921927), this individual also carried a pathogenic somatic variant in the NF2 gene. This variant has been identified in 1/251430 chromosomes in the general population by the Genome Aggregation Database (gnomAD). The available evidence is insufficient to determine the role of this variant in disease conclusively. Therefore, this variant is classified as a Variant of Uncertain Significance.

This study involves interpretation of variants in research participants for the purpose of population health screening. Participant phenotype was not available at the time of variant classification. Additional details can be found in publication PMID: 35346344, PMCID: PMC8962531

Baylor Genetics
Classification: Uncertain significance for Familial meningioma. Last evaluated: 2023-11-17. Review status: criteria provided, single submitter. Criteria: ACMG Guidelines, 2015. Collection method: clinical testing. Allele origin: unknown.

Literature cited by the submitters: PubMed 23354516 (cited by All of Us Research Program, National Institutes of Health); PubMed 23921927 (cited by All of Us Research Program, National Institutes of Health).

NM_000268.4(NF2):c.1600C>T (p.His534Tyr)

Gene: NF2 (NF2, moesin-ezrin-radixin like (MERLIN) tumor suppressor; plus strand). Cytogenetic location: 22q12.2.
Variant type: single nucleotide variant.
Coding change: c.1600C>T on transcript NM_000268.4 (MANE Select); coding-DNA position 1600, C replaced by T.
Protein change: p.His534Tyr; replaces histidine 534 with tyrosine.
Molecular consequence: missense variant. On other transcripts: non-coding transcript variant (1), intron variant (1).
Genome position (GRCh38, 1-based): chr22:29,681,464, C>T. VCF-style: chr22-29681464-C-T. GRCh37 (hg19) VCF-style: chr22-30077453-C-T.
Other names: c.1600C>T, p.His534Tyr (NM_016418.5, NM_181825.3, NM_181832.3); c.1474C>T, p.His492Tyr (NM_181828.3); c.1477C>T, p.His493Tyr (NM_181829.3); c.1351C>T, p.His451Tyr (NM_181830.3, NM_181831.3); c.448-13288C>T (NM_181833.3); short protein forms H451Y, H493Y, H534Y, H492Y.
Identifiers: ClinVar variation 854568 (VCV000854568.14), dbSNP rs769370159, ClinGen allele CA032373.